The following is an entry in ClinVar:

ClinVar aggregate classification (germline): Likely pathogenic (1 of 4 stars; one submission).

Conditions:
Osteogenesis imperfecta type III (OI3). Also called: Progressively Deforming Osteogenesis Imperfecta; Osteogenesis imperfecta type 3; OI type 3; Osteogenesis imperfecta, progressively deforming with normal sclerae; OI type III. Identifiers: Orphanet 216812, Orphanet 666, MedGen C0268362, MONDO:0009804, OMIM 259420.

Submission:

Clinical Biomedical Laboratory, Shriners Hospital For Children - Canada
Classification: Likely pathogenic for Osteogenesis imperfecta type III. Last evaluated: 2025-05-23. Review status: criteria provided, single submitter. Criteria: ACMG Guidelines, 2015. Collection method: clinical testing. Allele origin: germline. Affected: yes.
Comment: This variant is predicted to substitute an aspartic acid residue by an asparagine residue in the C-propeptide of the alpha1 chain of collagen type I. C-propeptide variants interfere with the association of alpha chains of collagen type I and are a known cause of osteogenesis imperfecta, This variant is not present in the Genome Aggregation Database (v2.1.1), indicating it is rare. Computational tools: (Revel 0.89) suggest that the change is detrimental to protein function.

NM_000088.4(COL1A1):c.4336G>A (p.Asp1446Asn)

Gene: COL1A1 (collagen type I alpha 1 chain; minus strand). Cytogenetic location: 17q21.33.
Variant type: single nucleotide variant.
Coding change: c.4336G>A on transcript NM_000088.4 (MANE Select); coding-DNA position 4336, G replaced by A.
Protein change: p.Asp1446Asn; replaces aspartic acid 1446 with asparagine.
Molecular consequence: missense variant.
Genome position (GRCh38, 1-based): chr17:50,185,561, C>T on the plus strand (G>A on the coding strand, the complement: COL1A1 is on the minus strand). VCF-style: chr17-50185561-C-T. GRCh37 (hg19) VCF-style: chr17-48262922-C-T.
Other names: short protein forms D1446N.
Identifiers: ClinVar variation 4057242 (VCV004057242.1).
Genomic context (GRCh38, chr17:50,185,561, plus strand): 5'-TTTACAGGAAGCAGACAGGGCCAACGTCGAAGCCGAATTCCTGGTCTGGGGCACCAACGT[C>T]CAAGGGGGCCACATCGATGATGGGCAGGCGGGAGGTCTTGGTGGTTTTGTATTCAATCAC-3'
Protein context (NP_000079.2, residues 1436-1456): RLPIIDVAPL[Asp1446Asn]VGAPDQEFGF